The following is an entry in ClinVar:

NM_000069.3(CACNA1S):c.3053+3G>A

Gene: CACNA1S (calcium voltage-gated channel subunit alpha1 S; minus strand). Cytogenetic location: 1q32.1.
Variant type: single nucleotide variant.
Coding change: c.3053+3G>A on transcript NM_000069.3 (MANE Select); 3 bases into the intron after coding-DNA position 3053, G replaced by A.
Molecular consequence: intron variant.
Genome position (GRCh38, 1-based): chr1:201,061,941, C>T on the plus strand (G>A on the coding strand, the complement: CACNA1S is on the minus strand). VCF-style: chr1-201061941-C-T. GRCh37 (hg19) VCF-style: chr1-201031069-C-T.
Identifiers: ClinVar variation 3070946 (VCV003070946.1), dbSNP rs2464500648, ClinGen allele CA2825000902.
Genomic context (GRCh38, chr1:201,061,941, plus strand): 5'-GGCTGGCTGCCTGGTCCTACCTGACCATGTCCATGAGGGACCTAGGCCCCAGCCATCACT[C>T]ACTGAGGCCATCCCTCGAAGGTGGAGACCGTGAAGAGGGACATCATGGCTGAGAGCACAT-3'

ClinVar aggregate classification (germline): Uncertain significance (1 of 4 stars; one submission).

Conditions:
Malignant hyperthermia, susceptibility to, 5 (MHS5). Also called: CACNA1S-Related Malignant Hyperthermia Susceptibility. Identifiers: Orphanet 423, MedGen C1866077, MONDO:0011163, OMIM 601887.

Submission:

All of Us Research Program, National Institutes of Health
Classification: Uncertain significance for Malignant hyperthermia, susceptibility to, 5. Last evaluated: 2023-05-15. Review status: criteria provided, single submitter. Criteria: ACMG Guidelines, 2015. Collection method: clinical testing. Allele origin: germline. Inheritance: Autosomal dominant inheritance. Observed: 1 variant allele, 1 heterozygote.
Comment: This variant causes a G to A nucleotide substitution at the +3 position of intron 24 of the CACNA1S gene. To our knowledge, functional studies have not been reported for this variant. This variant has not been reported in individuals affected with CACNA1S-related disorders in the literature. This variant has not been identified in the general population by the Genome Aggregation Database (gnomAD). The available evidence is insufficient to determine the role of this variant in disease conclusively. Therefore, this variant is classified as a Variant of Uncertain Significance.

This study involves interpretation of variants in research participants for the purpose of population health screening. Participant phenotype was not available at the time of variant classification. Additional details can be found in publication PMID: 35346344, PMCID: PMC8962531